The following is an entry in ClinVar:

ClinVar aggregate classification (germline): Conflicting classifications of pathogenicity. Review status: criteria provided, conflicting classifications (1 of 4 stars). 2 submissions from 2 submitters: Uncertain significance (1); Likely benign (1). Last evaluated 2026-04-14.

Conditions:
Hereditary cancer-predisposing syndrome. Also called: Tumor predisposition; Hereditary Cancer Syndrome; Hereditary neoplastic syndrome; Neoplastic Syndromes, Hereditary. Identifiers: Orphanet 140162, MedGen C0027672, MeSH D009386, MONDO:0015356.
Tuberous sclerosis 1 (TSC1). Identifiers: Orphanet 805, MedGen C1854465, MONDO:0008612, OMIM 191100.

Submissions (2):

Ambry Genetics
Classification: Likely benign for Hereditary cancer-predisposing syndrome. Last evaluated: 2026-04-14. Review status: criteria provided, single submitter. Criteria: Ambry Variant Classification Scheme 2023. Collection method: clinical testing. Allele origin: germline.

Labcorp Genetics (formerly Invitae), Labcorp
Classification: Uncertain significance for Tuberous sclerosis 1. Last evaluated: 2022-06-21. Review status: criteria provided, single submitter. Criteria: Invitae Variant Classification Sherloc (09022015). Collection method: clinical testing. Allele origin: germline.
Comment: In summary, the available evidence is currently insufficient to determine the role of this variant in disease. Therefore, it has been classified as a Variant of Uncertain Significance. Algorithms developed to predict the effect of missense changes on protein structure and function output the following: SIFT: "Tolerated"; PolyPhen-2: "Benign"; Align-GVGD: "Class C0". The valine amino acid residue is found in multiple mammalian species, which suggests that this missense change does not adversely affect protein function. This variant has not been reported in the literature in individuals affected with TSC1-related conditions. This variant is not present in population databases (gnomAD no frequency). This sequence change replaces leucine, which is neutral and non-polar, with valine, which is neutral and non-polar, at codon 935 of the TSC1 protein (p.Leu935Val).

NM_000368.5(TSC1):c.2803C>G (p.Leu935Val)

Gene: TSC1 (TSC complex subunit 1; minus strand). Cytogenetic location: 9q34.13.
Variant type: single nucleotide variant.
Coding change: c.2803C>G on transcript NM_000368.5 (MANE Select); coding-DNA position 2803, C replaced by G.
Protein change: p.Leu935Val; replaces leucine 935 with valine.
Molecular consequence: missense variant.
Genome position (GRCh38, 1-based): chr9:132,897,433, G>C on the plus strand (C>G on the coding strand, the complement: TSC1 is on the minus strand). VCF-style: chr9-132897433-G-C. GRCh37 (hg19) VCF-style: chr9-135772820-G-C.
Other names: c.2605C>G, p.Leu869Val (NM_001406613.1); c.2440C>G, p.Leu814Val (NM_001406614.1, NM_001406615.1, NM_001406616.1 and 4 more transcripts); c.2437C>G, p.Leu813Val (NM_001406620.1, NM_001406621.1, NM_001406622.1 and 1 more transcripts); c.2800C>G, p.Leu934Val (NM_001162426.2, NM_001406597.1, NM_001406598.1 and 2 more transcripts); c.2650C>G, p.Leu884Val (NM_001162427.2, NM_001406610.1); c.2803C>G, p.Leu935Val (NM_001406592.1, NM_001406593.1, NM_001406594.1 and 2 more transcripts); c.2788C>G, p.Leu930Val (NM_001406601.1, NM_001406602.1); c.2785C>G, p.Leu929Val (NM_001406603.1, NM_001406604.1); and 8 more; short protein forms L584V, L799V, L800V, L814V, L869V, L883V, L921V, L813V.
Identifiers: ClinVar variation 2178173 (VCV002178173.5), dbSNP rs1172586020, ClinGen allele CA375369020.